The following is an entry in ClinVar:

ClinVar aggregate classification (germline): Uncertain significance (1 of 4 stars; one submission).

Conditions:
Fanconi anemia (FA). Also called: Fanconi's anemia. Identifiers: Orphanet 84, MedGen C0015625, MeSH D005199, MONDO:0019391.

Submission:

Labcorp Genetics (formerly Invitae), Labcorp
Classification: Uncertain significance for Fanconi anemia. Last evaluated: 2025-02-02. Review status: criteria provided, single submitter. Criteria: Invitae Variant Classification Sherloc (09022015). Collection method: clinical testing. Allele origin: germline.
Comment: This sequence change replaces glycine, which is neutral and non-polar, with arginine, which is basic and polar, at codon 3 of the FANCM protein (p.Gly3Arg). This variant is not present in population databases (gnomAD no frequency). This variant has not been reported in the literature in individuals affected with FANCM-related conditions. An algorithm developed to predict the effect of missense changes on protein structure and function (PolyPhen-2) suggests that this variant is likely to be tolerated. In summary, the available evidence is currently insufficient to determine the role of this variant in disease. Therefore, it has been classified as a Variant of Uncertain Significance.

NM_020937.4(FANCM):c.7G>A (p.Gly3Arg)

Gene: FANCM (FA complementation group M; plus strand). Cytogenetic location: 14q21.2.
Variant type: single nucleotide variant.
Coding change: c.7G>A on transcript NM_020937.4 (MANE Select); coding-DNA position 7, G replaced by A.
Protein change: p.Gly3Arg; replaces glycine 3 with arginine.
Molecular consequence: missense variant.
Genome position (GRCh38, 1-based): chr14:45,136,038, G>A. VCF-style: chr14-45136038-G-A. GRCh37 (hg19) VCF-style: chr14-45605241-G-A.
Other names: c.7G>A, p.Gly3Arg (NM_001308133.2, NM_001308134.2); short protein forms G3R.
Identifiers: ClinVar variation 4698951 (VCV004698951.1).